The following is an entry in ClinVar:

ClinVar aggregate classification (germline): Uncertain significance. Review status: criteria provided, multiple submitters, no conflicts (2 of 4 stars). 3 submissions from 3 submitters: Uncertain significance (3). Last evaluated 2025-05-27.

Conditions:
Noonan syndrome 9 (NS9). Identifiers: Orphanet 648, MedGen C4225282, MONDO:0014691, OMIM 616559.

Allele frequency attached by ClinVar (database versions not stated): gnomAD exomes below 0.00001; gnomAD 0.00001.
gnomAD v4.1: 2 of 1,606,862 alleles (0.00012%); highest among the groups gnomAD compares: Non-Finnish European, 0.00017%; no homozygotes.

Submissions (3):

Labcorp Genetics (formerly Invitae), Labcorp
Classification: Uncertain significance for Noonan syndrome 9. Last evaluated: 2025-05-27. Review status: criteria provided, single submitter. Criteria: Invitae Variant Classification Sherloc (09022015). Collection method: clinical testing. Allele origin: germline.
Comment: This sequence change replaces arginine, which is basic and polar, with histidine, which is basic and polar, at codon 824 of the SOS2 protein (p.Arg824His). This variant is present in population databases (no rsID available, gnomAD 0.007%). This variant has not been reported in the literature in individuals affected with SOS2-related conditions. ClinVar contains an entry for this variant (Variation ID: 1306512). Invitae Evidence Modeling of protein sequence and biophysical properties (such as structural, functional, and spatial information, amino acid conservation, physicochemical variation, residue mobility, and thermodynamic stability) indicates that this missense variant is not expected to disrupt SOS2 protein function with a negative predictive value of 95%. In summary, the available evidence is currently insufficient to determine the role of this variant in disease. Therefore, it has been classified as a Variant of Uncertain Significance.

GeneDx
Classification: Uncertain significance. Last evaluated: 2019-06-19. Review status: criteria provided, single submitter. Criteria: GeneDx Variant Classification Process June 2021. Collection method: clinical testing. Allele origin: germline. Affected: yes.
Comment: In silico analysis, which includes protein predictors and evolutionary conservation, supports that this variant does not alter protein structure/function; Has not been previously published as pathogenic or benign to our knowledge

Genome-Nilou Lab
Classification: Uncertain significance for Noonan syndrome 9. Review status: criteria provided, single submitter. Criteria: ACMG Guidelines, 2015. Collection method: clinical testing. Allele origin: germline.

NM_006939.4(SOS2):c.2471G>A (p.Arg824His)

Gene: SOS2 (SOS Ras/Rho guanine nucleotide exchange factor 2; minus strand). Cytogenetic location: 14q21.3.
Variant type: single nucleotide variant.
Coding change: c.2471G>A on transcript NM_006939.4 (MANE Select); coding-DNA position 2471, G replaced by A.
Protein change: p.Arg824His; replaces arginine 824 with histidine.
Molecular consequence: missense variant.
Genome position (GRCh38, 1-based): chr14:50,145,510, C>T on the plus strand (G>A on the coding strand, the complement: SOS2 is on the minus strand). VCF-style: chr14-50145510-C-T. GRCh37 (hg19) VCF-style: chr14-50612228-C-T.
Other names: short protein forms R824H.
Identifiers: ClinVar variation 1306512 (VCV001306512.8), dbSNP rs1433825913, ClinGen allele CA389643332.